The following is an entry in ClinVar:

ClinVar aggregate classification (germline): Uncertain significance (1 of 4 stars; one submission).

gnomAD v4.1: 4 of 1,614,222 alleles (0.00025%); highest among the groups gnomAD compares: African/African-American, 0.0013%; no homozygotes.

Submission:

Labcorp Genetics (formerly Invitae), Labcorp
Classification: Uncertain significance. Last evaluated: 2024-12-09. Review status: criteria provided, single submitter. Criteria: Invitae Variant Classification Sherloc (09022015). Collection method: clinical testing. Allele origin: germline.
Comment: This sequence change replaces arginine, which is basic and polar, with glutamine, which is neutral and polar, at codon 1578 of the DSCAML1 protein (p.Arg1578Gln). This variant is present in population databases (rs747632000, gnomAD 0.007%). This variant has not been reported in the literature in individuals affected with DSCAML1-related conditions. An algorithm developed to predict the effect of missense changes on protein structure and function (PolyPhen-2) suggests that this variant is likely to be disruptive. In summary, the available evidence is currently insufficient to determine the role of this variant in disease. Therefore, it has been classified as a Variant of Uncertain Significance.

NM_020693.4(DSCAML1):c.4553G>A (p.Arg1518Gln)

Gene: DSCAML1 (DS cell adhesion molecule like 1; minus strand). Cytogenetic location: 11q23.3.
Variant type: single nucleotide variant.
Coding change: c.4553G>A on transcript NM_020693.4 (MANE Select); coding-DNA position 4553, G replaced by A.
Protein change: p.Arg1518Gln; replaces arginine 1518 with glutamine.
Molecular consequence: missense variant.
Genome position (GRCh38, 1-based): chr11:117,437,289, C>T on the plus strand (G>A on the coding strand, the complement: DSCAML1 is on the minus strand). VCF-style: chr11-117437289-C-T. GRCh37 (hg19) VCF-style: chr11-117308005-C-T.
Other names: short protein forms R1518Q.
Identifiers: ClinVar variation 3622209 (VCV003622209.2).
Genomic context (GRCh38, chr11:117,437,289, plus strand): 5'-AGAAACACCTCCCCGGAGCTGTTGGCCCGGAGGCCCTGCCAGGCCCAGGTCCCCTTGGGC[C>T]GGTACTCCAGAACGATGGCTGTGATAGGGCAGCCCCCATTGTTCCAGCCCTGCAGGTTAA-3'
Protein context (NP_065744.3, residues 1508-1528): CPITAIVLEY[Arg1518Gln]PKGTWAWQGL